The following is an entry in ClinVar:

ClinVar aggregate classification (germline): Uncertain significance. Review status: criteria provided, multiple submitters, no conflicts (2 of 4 stars). 3 submissions from 3 submitters: Uncertain significance (3). Last evaluated 2025-01-19.

Conditions:
Inborn genetic diseases. Identifiers: MedGen C0950123, MeSH D030342.

Allele frequency attached by ClinVar (database versions not stated): gnomAD 0.00001; TOPMed 0.00002.
gnomAD v4.1: 32 of 1,609,028 alleles (0.002%); highest among the groups gnomAD compares: Non-Finnish European, 0.0025%; no homozygotes.

Submissions (3):

Women's Health and Genetics/Laboratory Corporation of America, LabCorp
Classification: Uncertain significance. Last evaluated: 2025-01-19. Review status: criteria provided, single submitter. Criteria: LabCorp Variant Classification Summary - May 2015. Collection method: clinical testing. Allele origin: germline.

Ambry Genetics
Classification: Uncertain significance for Inborn genetic diseases. Last evaluated: 2024-04-06. Review status: criteria provided, single submitter. Criteria: Ambry Variant Classification Scheme 2023. Collection method: clinical testing. Allele origin: germline.

Labcorp Genetics (formerly Invitae), Labcorp
Classification: Uncertain significance. Last evaluated: 2021-12-24. Review status: criteria provided, single submitter. Criteria: Invitae Variant Classification Sherloc (09022015). Collection method: clinical testing. Allele origin: germline.
Comment: This sequence change replaces alanine, which is neutral and non-polar, with threonine, which is neutral and polar, at codon 62 of the RLBP1 protein (p.Ala62Thr). This variant is not present in population databases (gnomAD no frequency). This variant has not been reported in the literature in individuals affected with RLBP1-related conditions. Algorithms developed to predict the effect of missense changes on protein structure and function are either unavailable or do not agree on the potential impact of this missense change (SIFT: "Deleterious"; PolyPhen-2: "Benign"; Align-GVGD: "Class C0"). In summary, the available evidence is currently insufficient to determine the role of this variant in disease. Therefore, it has been classified as a Variant of Uncertain Significance.

NM_000326.5(RLBP1):c.184G>A (p.Ala62Thr)

Gene: RLBP1 (retinaldehyde binding protein 1; minus strand). Cytogenetic location: 15q26.1.
Variant type: single nucleotide variant.
Coding change: c.184G>A on transcript NM_000326.5 (MANE Select); coding-DNA position 184, G replaced by A.
Protein change: p.Ala62Thr; replaces alanine 62 with threonine.
Molecular consequence: missense variant.
Genome position (GRCh38, 1-based): chr15:89,217,282, C>T on the plus strand (G>A on the coding strand, the complement: RLBP1 is on the minus strand). VCF-style: chr15-89217282-C-T. GRCh37 (hg19) VCF-style: chr15-89760513-C-T.
Other names: c.184G>A (NM_000326.4); short protein forms A62T.
Identifiers: ClinVar variation 1959790 (VCV001959790.5), dbSNP rs1279832933, ClinGen allele CA393731091.